The following is an entry in ClinVar:

ClinVar aggregate classification (germline): Uncertain significance. Review status: criteria provided, multiple submitters, no conflicts (2 of 4 stars). 6 submissions from 6 submitters: Uncertain significance (6). Last evaluated 2025-09-10.

Conditions:
Autosomal dominant familial hematuria-retinal arteriolar tortuosity-contractures syndrome. Also called: Angiopathy, hereditary, with nephropathy, aneurysms, and muscle cramps; Hereditary Angiopathy with Nephropathy, Aneurysms, and Muscle Cramps (HANAC) Syndrome. Identifiers: Orphanet 73229, MedGen C2673195, MONDO:0012726, OMIM 611773.
Brain small vessel disease 1 with or without ocular anomalies (BSVD1). Also called: GOULD SYNDROME 1; BRAIN SMALL VESSEL DISEASE WITH HEMORRHAGE; Brain small vessel disease with or without ocular anomalies; PORENCEPHALY, TYPE 1, AUTOSOMAL DOMINANT. Identifiers: Orphanet 2940, Orphanet 36383, Orphanet 99810, MedGen C4755307, MONDO:0008289, OMIM 175780.
Hemorrhage, intracerebral, susceptibility to (ICH). Also called: Stroke, hemorrhagic, susceptibility to. Identifiers: MedGen C3281105, MONDO:0100533, OMIM 614519.
Retinal arterial tortuosity. Also called: Retinal arteries, tortuosity of; RETINAL HEMORRHAGE WITH VASCULAR TORTUOSITY. Identifiers: Orphanet 75326, MedGen C0423401, MONDO:0008373, OMIM 180000, HP:0000631.
Microangiopathy and leukoencephalopathy, pontine, autosomal dominant. Also called: Pontine autosomal dominant microangiopathy with leukoencephalopathy; DEMENTIA, HEREDITARY MULTI-INFARCT, SWEDISH TYPE. Identifiers: Orphanet 477749, MedGen C5231411, MONDO:0032814, OMIM 618564.

Allele frequency attached by ClinVar (database versions not stated): ExAC 0.00003; 1000 Genomes Project 30x 0.00016; 1000 Genomes Project 0.00020.
gnomAD v4.1: 21 of 1,614,078 alleles (0.0013%); highest among the groups gnomAD compares: South Asian, 0.0066%; no homozygotes.

Submissions (6):

Labcorp Genetics (formerly Invitae), Labcorp
Classification: Uncertain significance. Last evaluated: 2025-09-10. Review status: criteria provided, single submitter. Criteria: Invitae Variant Classification Sherloc (09022015). Collection method: clinical testing. Allele origin: germline.
Comment: This sequence change replaces proline, which is neutral and non-polar, with leucine, which is neutral and non-polar, at codon 116 of the COL4A1 protein (p.Pro116Leu). This variant is present in population databases (rs538816765, gnomAD 0.009%). This missense change has been observed in individual(s) with COL4A1-related conditions (PMID: 31008308). ClinVar contains an entry for this variant (Variation ID: 1256083). Invitae Evidence Modeling of protein sequence and biophysical properties (such as structural, functional, and spatial information, amino acid conservation, physicochemical variation, residue mobility, and thermodynamic stability) indicates that this missense variant is not expected to disrupt COL4A1 protein function with a negative predictive value of 95%. In summary, the available evidence is currently insufficient to determine the role of this variant in disease. Therefore, it has been classified as a Variant of Uncertain Significance.

GeneDx
Classification: Uncertain significance. Last evaluated: 2025-07-18. Review status: criteria provided, single submitter. Criteria: GeneDx Variant Classification Process June 2021. Collection method: clinical testing. Allele origin: germline. Affected: yes.
Comment: Identified in a family with two affected individuals with internal carotid artery (ICA) dissection (PMID: 31903434); In silico analysis supports that this missense variant has a deleterious effect on protein structure/function; This variant is associated with the following publications: (PMID: 31903434)

Fulgent Genetics
Classification: Uncertain significance for Brain small vessel disease 1 with or without ocular anomalies; Retinal arterial tortuosity; Autosomal dominant familial hematuria-retinal arteriolar tortuosity-contractures syndrome; Hemorrhage, intracerebral, susceptibility to; Microangiopathy and leukoencephalopathy, pontine, autosomal dominant. Last evaluated: 2024-04-04. Review status: criteria provided, single submitter. Criteria: ACMG Guidelines, 2015. Collection method: clinical testing. Allele origin: germline.

Revvity Omics, Revvity
Classification: Uncertain significance. Last evaluated: 2023-09-14. Review status: criteria provided, single submitter. Criteria: ACMG Guidelines, 2015. Collection method: clinical testing. Allele origin: germline.

Blueprint Genetics
Classification: Uncertain significance. Last evaluated: 2023-05-05. Review status: criteria provided, single submitter. Criteria: ACMG Guidelines, 2015. Collection method: clinical testing. Allele origin: germline.

Athena Diagnostics
Classification: Uncertain significance. Last evaluated: 2020-10-05. Review status: criteria provided, single submitter. Criteria: Athena Diagnostics criteria. Collection method: clinical testing. Allele origin: unknown.

Literature cited by the submitters: PubMed 31008308 (cited by Labcorp Genetics (formerly Invitae), Labcorp and Athena Diagnostics); PubMed 31903434 (cited by Athena Diagnostics).

NM_001845.6(COL4A1):c.347C>T (p.Pro116Leu)

Gene: COL4A1 (collagen type IV alpha 1 chain; minus strand). Cytogenetic location: 13q34.
Variant type: single nucleotide variant.
Coding change: c.347C>T on transcript NM_001845.6 (MANE Select); coding-DNA position 347, C replaced by T.
Protein change: p.Pro116Leu; replaces proline 116 with leucine.
Molecular consequence: missense variant.
Genome position (GRCh38, 1-based): chr13:110,212,457, G>A on the plus strand (C>T on the coding strand, the complement: COL4A1 is on the minus strand). VCF-style: chr13-110212457-G-A. GRCh37 (hg19) VCF-style: chr13-110864804-G-A.
Other names: c.347C>T, p.Pro116Leu (NM_001303110.2); short protein forms P116L.
Identifiers: ClinVar variation 1256083 (VCV001256083.10), dbSNP rs538816765, ClinGen allele CA7048552.
Genomic context (GRCh38, chr13:110,212,457, plus strand): 5'-GGTCTCGGTTCTGGATTTACCTTTGTGCCATTGCATCCTGGAATACCTGGGGGGCCTGGC[G>A]GGCCGTCTTGGCCAGGAATTCCCTGCAATGAAGAAAGTGAAAATGTAACCCAGGCAGAAA-3'
Protein context (NP_001836.3, residues 106-126): GLPGIPGQDG[Pro116Leu]PGPPGIPGCN